The following is an entry in ClinVar:

NM_005660.3(SLC35A2):c.496C>T (p.Arg166Trp)

Gene: SLC35A2 (solute carrier family 35 member A2; minus strand). Cytogenetic location: Xp11.23.
Variant type: single nucleotide variant.
Coding change: c.496C>T on transcript NM_005660.3 (MANE Select); coding-DNA position 496, C replaced by T.
Protein change: p.Arg166Trp; replaces arginine 166 with tryptophan.
Molecular consequence: missense variant. On other transcripts: intron variant (3).
Genome position (GRCh38, 1-based): chrX:48,905,413, G>A on the plus strand (C>T on the coding strand, the complement: SLC35A2 is on the minus strand). VCF-style: chrX-48905413-G-A. GRCh37 (hg19) VCF-style: chrX-48762690-G-A.
Other names: c.496C>T, p.Arg166Trp (NM_001042498.3); c.313C>T, p.Arg105Trp (NM_001282649.2); c.535C>T, p.Arg179Trp (NM_001282650.2); c.580C>T, p.Arg194Trp (NM_001282651.2); c.427-521C>T (NM_001282647.2, NM_001032289.3); c.355-521C>T (NM_001282648.2); short protein forms R105W, R166W, R179W, R194W.
Identifiers: ClinVar variation 1640346 (VCV001640346.10), dbSNP rs782340868, ClinGen allele CA10406123.

ClinVar aggregate classification (germline): Conflicting classifications of pathogenicity. Review status: criteria provided, conflicting classifications (1 of 4 stars). 2 submissions from 2 submitters: Uncertain significance (1); Likely benign (1). Last evaluated 2024-05-22.

Conditions:
SLC35A2-congenital disorder of glycosylation. Also called: SLC35A2-CDG; DEVELOPMENTAL AND EPILEPTIC ENCEPHALOPATHY 22; EPILEPTIC ENCEPHALOPATHY, EARLY INFANTILE, 22; CONGENITAL DISORDER OF GLYCOSYLATION, TYPE IIm; CDG IIm; CONGENITAL DISORDER OF GLYCOSYLATION, TYPE IIm, SOMATIC MOSAIC. Identifiers: Orphanet 356961, MedGen C3806688, MONDO:0010478, OMIM 300896.

Allele frequency attached by ClinVar (database versions not stated): gnomAD 0.00001; gnomAD exomes 0.00001; ExAC 0.00002.

Submissions (2):

Labcorp Genetics (formerly Invitae), Labcorp
Classification: Likely benign for SLC35A2-congenital disorder of glycosylation. Last evaluated: 2024-05-22. Review status: criteria provided, single submitter. Criteria: Invitae Variant Classification Sherloc (09022015). Collection method: clinical testing. Allele origin: germline.

GeneDx
Classification: Uncertain significance. Last evaluated: 2022-07-20. Review status: criteria provided, single submitter. Criteria: GeneDx Variant Classification Process June 2021. Collection method: clinical testing. Allele origin: germline. Affected: yes.
Comment: Not observed at significant frequency in large population cohorts (gnomAD); In silico analysis supports that this missense variant has a deleterious effect on protein structure/function; Has not been previously published as pathogenic or benign to our knowledge